The following is an entry in ClinVar:

NM_001130823.3(DNMT1):c.2606C>G (p.Ser869Cys)

Gene: DNMT1 (DNA methyltransferase 1; minus strand). Cytogenetic location: 19p13.2.
Variant type: single nucleotide variant.
Coding change: c.2606C>G on transcript NM_001130823.3 (MANE Select); coding-DNA position 2606, C replaced by G.
Protein change: p.Ser869Cys; replaces serine 869 with cysteine.
Molecular consequence: missense variant.
Genome position (GRCh38, 1-based): chr19:10,148,998, G>C on the plus strand (C>G on the coding strand, the complement: DNMT1 is on the minus strand). VCF-style: chr19-10148998-G-C. GRCh37 (hg19) VCF-style: chr19-10259674-G-C.
Other names: c.2558C>G, p.Ser853Cys (NM_001318730.2, NM_001379.4); c.2243C>G, p.Ser748Cys (NM_001318731.2); c.2606C>G (NM_001130823.1); short protein forms S748C, S853C, S869C.
Identifiers: ClinVar variation 1391825 (VCV001391825.11), dbSNP rs538290672, ClinGen allele CA9187996.

ClinVar aggregate classification (germline): Uncertain significance. Review status: criteria provided, multiple submitters, no conflicts (2 of 4 stars). 3 submissions from 3 submitters: Uncertain significance (3). Last evaluated 2025-09-21.

Conditions:
Inborn genetic diseases. Identifiers: MedGen C0950123, MeSH D030342.
Hereditary sensory neuropathy-deafness-dementia syndrome. Also called: Hereditary Sensory and Autonomic Neuropathy Type 1E (HSAN1E); HSN IE; Hereditary sensory neuropathy type IE; NEUROPATHY, HEREDITARY SENSORY, WITH HEARING LOSS AND DEMENTIA. Identifiers: Orphanet 456318, MedGen C3279885, MONDO:0013584, OMIM 614116.

Allele frequency attached by ClinVar (database versions not stated): ExAC 0.00001; gnomAD 0.00001 and 0.00003; gnomAD exomes 0.00001; TOPMed 0.00001; 1000 Genomes Project 30x 0.00016; 1000 Genomes Project 0.00020.
gnomAD v4.1: 13 of 1,614,114 alleles (0.00081%); highest among the groups gnomAD compares: Middle Eastern, 0.033%; no homozygotes.

Submissions (3):

Labcorp Genetics (formerly Invitae), Labcorp
Classification: Uncertain significance for Hereditary sensory neuropathy-deafness-dementia syndrome. Last evaluated: 2025-09-21. Review status: criteria provided, single submitter. Criteria: Invitae Variant Classification Sherloc (09022015). Collection method: clinical testing. Allele origin: germline.
Comment: This sequence change replaces serine, which is neutral and polar, with cysteine, which is neutral and slightly polar, at codon 869 of the DNMT1 protein (p.Ser869Cys). This variant is present in population databases (rs538290672, gnomAD 0.006%). This variant has not been reported in the literature in individuals affected with DNMT1-related conditions. ClinVar contains an entry for this variant (Variation ID: 1391825). Invitae Evidence Modeling of protein sequence and biophysical properties (such as structural, functional, and spatial information, amino acid conservation, physicochemical variation, residue mobility, and thermodynamic stability) indicates that this missense variant is not expected to disrupt DNMT1 protein function with a negative predictive value of 80%. In summary, the available evidence is currently insufficient to determine the role of this variant in disease. Therefore, it has been classified as a Variant of Uncertain Significance.

GeneDx
Classification: Uncertain significance. Last evaluated: 2025-05-06. Review status: criteria provided, single submitter. Criteria: GeneDx Variant Classification Process June 2021. Collection method: clinical testing. Allele origin: germline. Affected: yes.
Comment: In silico analysis suggests that this missense variant does not alter protein structure/function; Has not been previously published as pathogenic or benign to our knowledge

Ambry Genetics
Classification: Uncertain significance for Inborn genetic diseases. Last evaluated: 2021-06-07. Review status: criteria provided, single submitter. Criteria: Ambry Variant Classification Scheme 2023. Collection method: clinical testing. Allele origin: germline.
Comment: The p.S853C variant (also known as c.2558C>G), located in coding exon 26 of the DNMT1 gene, results from a C to G substitution at nucleotide position 2558. The serine at codon 853 is replaced by cysteine, an amino acid with dissimilar properties. This amino acid position is poorly conserved in available vertebrate species. In addition, this alteration is predicted to be tolerated by in silico analysis. Since supporting evidence is limited at this time, the clinical significance of this alteration remains unclear.